The following is an entry in ClinVar:

NM_133379.5(TTN):c.13607C>T (p.Ser4536Phe)

Gene: TTN (titin; minus strand). Cytogenetic location: 2q31.2.
Variant type: single nucleotide variant.
Coding change: c.13607C>T on transcript NM_133379.5; coding-DNA position 13607, C replaced by T.
Protein change: p.Ser4536Phe; replaces serine 4536 with phenylalanine.
Molecular consequence: missense variant. On other transcripts: intron variant (6).
Genome position (GRCh38, 1-based): chr2:178,748,793, G>A on the plus strand (C>T on the coding strand, the complement: TTN is on the minus strand). VCF-style: chr2-178748793-G-A. GRCh37 (hg19) VCF-style: chr2-179613520-G-A.
Other names: c.10222+4331C>T (NM_003319.4); c.10798+4331C>T (NM_133437.4); c.10597+4331C>T (NM_133432.3); c.10360+4331C>T (NM_133378.4, NM_001256850.1); c.11311+4331C>T (NM_001267550.2); short protein forms S4536F.
Identifiers: ClinVar variation 3895250 (VCV003895250.1), dbSNP rs267599077.
Genomic context (GRCh38, chr2:178,748,793, plus strand): 5'-AGACTTATTTTTTCCTGTTGTTCCCTTTCTTGTGCGTCAAATTCTTTATGAGTTTGAGAG[G>A]AAAGCAGCTTTAAATTTATTGCAATGTTAGATGAATCTGATTCAGTATTTGGAGACATTT-3'

ClinVar aggregate classification (germline): Benign (1 of 4 stars; one submission).

Submission:

Molecular Diagnostic Laboratory for Inherited Cardiovascular Disease, Montreal Heart Institute
Classification: Benign. Last evaluated: 2025-04-09. Review status: criteria provided, single submitter. Criteria: ACMG Guidelines, 2015. Collection method: clinical testing. Allele origin: germline. Affected: no.
Comment: BS1;BP7